The following is an entry in ClinVar:

ClinVar aggregate classification (germline): Uncertain significance. Review status: criteria provided, multiple submitters, no conflicts (2 of 4 stars). 2 submissions from 2 submitters: Uncertain significance (2). Last evaluated 2023-08-09.

Conditions:
Inborn genetic diseases. Identifiers: MedGen C0950123, MeSH D030342.

Allele frequency attached by ClinVar (database versions not stated): gnomAD exomes below 0.00001; TOPMed below 0.00001; gnomAD 0.00001; ExAC 0.00002.

Submissions (2):

Labcorp Genetics (formerly Invitae), Labcorp
Classification: Uncertain significance. Last evaluated: 2023-08-09. Review status: criteria provided, single submitter. Criteria: Invitae Variant Classification Sherloc (09022015). Collection method: clinical testing. Allele origin: germline.
Comment: In summary, the available evidence is currently insufficient to determine the role of this variant in disease. Therefore, it has been classified as a Variant of Uncertain Significance. This sequence change replaces glycine, which is neutral and non-polar, with serine, which is neutral and polar, at codon 410 of the CLCN2 protein (p.Gly410Ser). This variant is present in population databases (rs748950041, gnomAD 0.003%). This variant has not been reported in the literature in individuals affected with CLCN2-related conditions. ClinVar contains an entry for this variant (Variation ID: 2406173). Advanced modeling of protein sequence and biophysical properties (such as structural, functional, and spatial information, amino acid conservation, physicochemical variation, residue mobility, and thermodynamic stability) performed at Invitae indicates that this missense variant is not expected to disrupt CLCN2 protein function.

Ambry Genetics
Classification: Uncertain significance for Inborn genetic diseases. Last evaluated: 2022-11-08. Review status: criteria provided, single submitter. Criteria: Ambry Variant Classification Scheme 2023. Collection method: clinical testing. Allele origin: germline.

NM_004366.6(CLCN2):c.1228G>A (p.Gly410Ser)

Gene: CLCN2 (chloride voltage-gated channel 2; minus strand). Cytogenetic location: 3q27.1.
Variant type: single nucleotide variant.
Coding change: c.1228G>A on transcript NM_004366.6 (MANE Select); coding-DNA position 1228, G replaced by A.
Protein change: p.Gly410Ser; replaces glycine 410 with serine.
Molecular consequence: missense variant.
Genome position (GRCh38, 1-based): chr3:184,355,472, C>T on the plus strand (G>A on the coding strand, the complement: CLCN2 is on the minus strand). VCF-style: chr3-184355472-C-T. GRCh37 (hg19) VCF-style: chr3-184073260-C-T.
Other names: c.1228G>A, p.Gly410Ser (NM_001171087.3, NM_001171089.3); c.1096G>A, p.Gly366Ser (NM_001171088.3); short protein forms G410S, G366S.
Identifiers: ClinVar variation 2406173 (VCV002406173.5), dbSNP rs748950041, ClinGen allele CA2734186.